The following is an entry in ClinVar:

ClinVar aggregate classification (germline): Uncertain significance (1 of 4 stars; one submission).

Submission:

Labcorp Genetics (formerly Invitae), Labcorp
Classification: Uncertain significance. Last evaluated: 2023-07-29. Review status: criteria provided, single submitter. Criteria: Invitae Variant Classification Sherloc (09022015). Collection method: clinical testing. Allele origin: germline.
Comment: In summary, the available evidence is currently insufficient to determine the role of this variant in disease. Therefore, it has been classified as a Variant of Uncertain Significance. Advanced modeling of protein sequence and biophysical properties (such as structural, functional, and spatial information, amino acid conservation, physicochemical variation, residue mobility, and thermodynamic stability) performed at Invitae indicates that this missense variant is not expected to disrupt TRRAP protein function. This variant has not been reported in the literature in individuals affected with TRRAP-related conditions. This variant is not present in population databases (gnomAD no frequency). This sequence change replaces valine, which is neutral and non-polar, with methionine, which is neutral and non-polar, at codon 890 of the TRRAP protein (p.Val890Met).

NM_001375524.1(TRRAP):c.2668G>A (p.Val890Met)

Gene: TRRAP (transformation/transcription domain associated protein; plus strand). Cytogenetic location: 7q22.1.
Variant type: single nucleotide variant.
Coding change: c.2668G>A on transcript NM_001375524.1 (MANE Select); coding-DNA position 2668, G replaced by A.
Protein change: p.Val890Met; replaces valine 890 with methionine.
Molecular consequence: missense variant.
Genome position (GRCh38, 1-based): chr7:98,921,798, G>A. VCF-style: chr7-98921798-G-A. GRCh37 (hg19) VCF-style: chr7-98519421-G-A.
Other names: c.2668G>A, p.Val890Met (NM_001244580.2, NM_003496.4); short protein forms V890M.
Identifiers: ClinVar variation 2748104 (VCV002748104.3), dbSNP rs2484747996, ClinGen allele CA368293945.